The following is an entry in ClinVar:

ClinVar aggregate classification (germline): Uncertain significance (1 of 4 stars; one submission).

Submission:

Labcorp Genetics (formerly Invitae), Labcorp
Classification: Uncertain significance. Last evaluated: 2024-10-17. Review status: criteria provided, single submitter. Criteria: Invitae Variant Classification Sherloc (09022015). Collection method: clinical testing. Allele origin: germline.
Comment: This sequence change replaces valine, which is neutral and non-polar, with leucine, which is neutral and non-polar, at codon 173 of the NOG protein (p.Val173Leu). This variant is not present in population databases (gnomAD no frequency). This variant has not been reported in the literature in individuals affected with NOG-related conditions. An algorithm developed to predict the effect of missense changes on protein structure and function (PolyPhen-2) suggests that this variant is likely to be tolerated. In summary, the available evidence is currently insufficient to determine the role of this variant in disease. Therefore, it has been classified as a Variant of Uncertain Significance.

NM_005450.6(NOG):c.517G>T (p.Val173Leu)

Gene: NOG (noggin; plus strand). Cytogenetic location: 17q22.
Variant type: single nucleotide variant.
Coding change: c.517G>T on transcript NM_005450.6 (MANE Select); coding-DNA position 517, G replaced by T.
Protein change: p.Val173Leu; replaces valine 173 with leucine.
Molecular consequence: missense variant.
Genome position (GRCh38, 1-based): chr17:56,594,740, G>T. VCF-style: chr17-56594740-G-T. GRCh37 (hg19) VCF-style: chr17-54672101-G-T.
Other names: short protein forms V173L.
Identifiers: ClinVar variation 3618845 (VCV003618845.2).